The following is an entry in ClinVar:

ClinVar aggregate classification (germline): Uncertain significance (1 of 4 stars; one submission).

Conditions:
LRRC8C-related condition.

Submission:

PreventionGenetics, part of Exact Sciences
Classification: Uncertain significance for LRRC8C-related condition. Last evaluated: 2026-09-23. Review status: criteria provided, single submitter. Criteria: ACMG Guidelines, 2015. Collection method: clinical testing. Allele origin: germline.
Comment: The LRRC8C c.2200_2201delCT variant is predicted to result in a frameshift and premature protein termination (p.Leu734Glufs*28). To our knowledge, this variant has not been reported in the literature or in a large population database (gnomAD), indicating this variant is rare. At this time, the clinical significance of this variant is uncertain due to the absence of conclusive functional and genetic evidence.

NM_032270.5(LRRC8C):c.2200_2201del (p.Leu734fs)

Gene: LRRC8C (leucine rich repeat containing 8 VRAC subunit C; plus strand). Cytogenetic location: 1p22.2.
Variant type: Microsatellite.
Coding change: c.2200_2201del on transcript NM_032270.5 (MANE Select); coding-DNA positions 2200 to 2201, 2 bases deleted (CT; older notation c.2200_2201delCT).
Protein change: p.Leu734fs; shifts the reading frame from leucine 734.
Molecular consequence: frameshift variant.
Genome position (GRCh38, 1-based): chr1:89,714,770-89,714,771, CT deleted; deleting any 2 consecutive bases within chr1:89,714,768-89,714,771 gives the same sequence; the c. name uses the placement nearest the transcript's 3' end. VCF-style (leftmost placement, unchanged base first): chr1-89714767-ACT-A. GRCh37 (hg19) VCF-style: chr1-90180326-ACT-A.
Other names: short protein forms L734fs.
Identifiers: ClinVar variation 4994728 (VCV004994728.1).
Genomic context (GRCh38, chr1:89,714,767, plus strand): 5'-ATCACATGTAACAAAGTGGAAAGCCTTCCAGATGAACTCTACTTCTGCAAGAAACTTAAA[ACT>A]CTGAAGATTGGAAAAAACAGCCTATCTGTACTTTCACCGAAAATTGGAAATTTGCTATTT-3'